The following is an entry in ClinVar:

ClinVar aggregate classification (germline): Uncertain significance (1 of 4 stars; one submission).

Conditions:
Creatine transporter deficiency (CCDS1). Also called: Mental retardation , X-linked with seizures, short stature and midface hypoplasia; Mental retardation , X-linked, with creatine transport deficiency; X-linked creatine transporter deficiency; X-linked creatine deficiency syndrome; SLC6A8-Related Creatine Transporter Deficiency; CREATINE TRANSPORTER DEFECT. Identifiers: Orphanet 52503, MedGen C1845862, MONDO:0010305, OMIM 300352.

gnomAD v4.1: 8 of 1,203,330 alleles (0.00066%); highest among the groups gnomAD compares: Non-Finnish European, 0.0009%; no homozygotes.

Submission:

Labcorp Genetics (formerly Invitae), Labcorp
Classification: Uncertain significance for Creatine transporter deficiency. Last evaluated: 2024-02-23. Review status: criteria provided, single submitter. Criteria: Invitae Variant Classification Sherloc (09022015). Collection method: clinical testing. Allele origin: germline.
Comment: This sequence change replaces histidine, which is basic and polar, with tyrosine, which is neutral and polar, at codon 593 of the SLC6A8 protein (p.His593Tyr). This variant is not present in population databases (gnomAD no frequency). This variant has not been reported in the literature in individuals affected with SLC6A8-related conditions. Advanced modeling of protein sequence and biophysical properties (such as structural, functional, and spatial information, amino acid conservation, physicochemical variation, residue mobility, and thermodynamic stability) performed at Invitae indicates that this missense variant is not expected to disrupt SLC6A8 protein function with a negative predictive value of 95%. In summary, the available evidence is currently insufficient to determine the role of this variant in disease. Therefore, it has been classified as a Variant of Uncertain Significance.

NM_005629.4(SLC6A8):c.1777C>T (p.His593Tyr)

Gene: SLC6A8 (solute carrier family 6 member 8; plus strand). Cytogenetic location: Xq28.
Variant type: single nucleotide variant.
Coding change: c.1777C>T on transcript NM_005629.4 (MANE Select); coding-DNA position 1777, C replaced by T.
Protein change: p.His593Tyr; replaces histidine 593 with tyrosine.
Molecular consequence: missense variant.
Genome position (GRCh38, 1-based): chrX:153,695,083, C>T. VCF-style: chrX-153695083-C-T. GRCh37 (hg19) VCF-style: chrX-152960538-C-T.
Other names: c.1747C>T, p.His583Tyr (NM_001142805.2); c.1432C>T, p.His478Tyr (NM_001142806.1); short protein forms H593Y, H478Y, H583Y.
Identifiers: ClinVar variation 3710286 (VCV003710286.2).